The following is an entry in ClinVar:

ClinVar aggregate classification (germline): Uncertain significance (1 of 4 stars; one submission).

gnomAD v4.1: 24 of 1,613,938 alleles (0.0015%); highest among the groups gnomAD compares: Non-Finnish European, 0.0018%; no homozygotes.

Submission:

Labcorp Genetics (formerly Invitae), Labcorp
Classification: Uncertain significance. Last evaluated: 2021-11-22. Review status: criteria provided, single submitter. Criteria: Invitae Variant Classification Sherloc (09022015). Collection method: clinical testing. Allele origin: germline.
Comment: In summary, the available evidence is currently insufficient to determine the role of this variant in disease. Therefore, it has been classified as a Variant of Uncertain Significance. Algorithms developed to predict the effect of missense changes on protein structure and function (SIFT, PolyPhen-2, Align-GVGD) all suggest that this variant is likely to be tolerated. This variant has not been reported in the literature in individuals affected with PCARE-related conditions. This variant is present in population databases (rs375644198, gnomAD 0.003%). This sequence change replaces aspartic acid, which is acidic and polar, with glutamic acid, which is acidic and polar, at codon 752 of the PCARE protein (p.Asp752Glu).

NM_001029883.3(PCARE):c.2256C>A (p.Asp752Glu)

Gene: PCARE (photoreceptor cilium actin regulator; minus strand). Cytogenetic location: 2p23.2.
Variant type: single nucleotide variant.
Coding change: c.2256C>A on transcript NM_001029883.3 (MANE Select); coding-DNA position 2256, C replaced by A.
Protein change: p.Asp752Glu; replaces aspartic acid 752 with glutamic acid.
Molecular consequence: missense variant.
Genome position (GRCh38, 1-based): chr2:29,072,006, G>T on the plus strand (C>A on the coding strand, the complement: PCARE is on the minus strand). VCF-style: chr2-29072006-G-T. GRCh37 (hg19) VCF-style: chr2-29294872-G-T.
Other names: short protein forms D752E.
Identifiers: ClinVar variation 1503329 (VCV001503329.4), dbSNP rs375644198, ClinGen allele CA1592250.